The following is an entry in ClinVar:

ClinVar aggregate classification (germline): Uncertain significance (1 of 4 stars; one submission).

Submission:

Labcorp Genetics (formerly Invitae), Labcorp
Classification: Uncertain significance. Last evaluated: 2023-10-05. Review status: criteria provided, single submitter. Criteria: Invitae Variant Classification Sherloc (09022015). Collection method: clinical testing. Allele origin: germline.
Comment: This sequence change replaces valine, which is neutral and non-polar, with isoleucine, which is neutral and non-polar, at codon 1384 of the POLE protein (p.Val1384Ile). This variant is not present in population databases (gnomAD no frequency). This variant has not been reported in the literature in individuals affected with POLE-related conditions. An algorithm developed to predict the effect of missense changes on protein structure and function (PolyPhen-2) suggests that this variant is likely to be disruptive. Algorithms developed to predict the effect of sequence changes on RNA splicing suggest that this variant may create or strengthen a splice site. In summary, the available evidence is currently insufficient to determine the role of this variant in disease. Therefore, it has been classified as a Variant of Uncertain Significance.

NM_006231.4(POLE):c.4150G>A (p.Val1384Ile)

Gene: POLE (DNA polymerase epsilon, catalytic subunit; minus strand). Cytogenetic location: 12q24.33.
Variant type: single nucleotide variant.
Coding change: c.4150G>A on transcript NM_006231.4 (MANE Select); coding-DNA position 4150, G replaced by A.
Protein change: p.Val1384Ile; replaces valine 1384 with isoleucine.
Molecular consequence: missense variant.
Genome position (GRCh38, 1-based): chr12:132,643,977, C>T on the plus strand (G>A on the coding strand, the complement: POLE is on the minus strand). VCF-style: chr12-132643977-C-T. GRCh37 (hg19) VCF-style: chr12-133220563-C-T.
Other names: short protein forms V1384I.
Identifiers: ClinVar variation 2795480 (VCV002795480.3), dbSNP rs2138562552, ClinGen allele CA387382567.